The following is an entry in ClinVar:

ClinVar aggregate classification (germline): Pathogenic (1 of 4 stars; one submission).

Conditions:
Dystonia 12 (DYT12). Also called: Rapid-Onset Dystonia-Parkinsonism (RDP); DYT-ATP1A3. Identifiers: Orphanet 71517, MedGen C1868681, MONDO:0007496, OMIM 128235.

Submission:

Labcorp Genetics (formerly Invitae), Labcorp
Classification: Pathogenic for Dystonia 12. Last evaluated: 2024-09-09. Review status: criteria provided, single submitter. Criteria: Invitae Variant Classification Sherloc (09022015). Collection method: clinical testing. Allele origin: germline.
Comment: This sequence change creates a premature translational stop signal (p.Lys434Argfs*24) in the ATP1A3 gene. It is expected to result in an absent or disrupted protein product. Loss-of-function variants in ATP1A3 are known to be pathogenic (PMID: 24631656, 24983657). This variant is not present in population databases (gnomAD no frequency). This variant has not been reported in the literature in individuals affected with ATP1A3-related conditions. ClinVar contains an entry for this variant (Variation ID: 2025830). For these reasons, this variant has been classified as Pathogenic.

Literature cited by the submitters: PubMed 24631656; PubMed 24983657.

NM_152296.5(ATP1A3):c.1299del (p.Lys434fs)

Gene: ATP1A3 (ATPase Na+/K+ transporting subunit alpha 3; minus strand). Cytogenetic location: 19q13.2.
Variant type: Deletion.
Coding change: c.1299del on transcript NM_152296.5 (MANE Select); coding-DNA position 1299, one base deleted (C; older notation c.1299delC).
Protein change: p.Lys434fs; shifts the reading frame from lysine 434.
Molecular consequence: frameshift variant.
Genome position (GRCh38, 1-based): chr19:41,981,725, G deleted on the plus strand (C on the coding strand, the reverse complement: ATP1A3 is on the minus strand). VCF-style (leftmost placement, unchanged base first): chr19-41981724-TG-T. GRCh37 (hg19) VCF-style: chr19-42485876-TG-T.
Other names: c.1332del, p.Lys445fs (NM_001256213.2); c.1338del, p.Lys447fs (NM_001256214.2); short protein forms K434fs, K445fs, K447fs.
Identifiers: ClinVar variation 2025830 (VCV002025830.4), dbSNP rs2514065578, ClinGen allele CA2580097338.